The following is an entry in ClinVar:

NM_015175.3(NBEAL2):c.1783G>A (p.Val595Ile)

Gene: NBEAL2 (neurobeachin like 2; plus strand). Cytogenetic location: 3p21.31.
Variant type: single nucleotide variant.
Coding change: c.1783G>A on transcript NM_015175.3 (MANE Select); coding-DNA position 1783, G replaced by A.
Protein change: p.Val595Ile; replaces valine 595 with isoleucine.
Molecular consequence: missense variant.
Genome position (GRCh38, 1-based): chr3:46,995,518, G>A. VCF-style: chr3-46995518-G-A. GRCh37 (hg19) VCF-style: chr3-47037008-G-A.
Other names: p.Val595Ile; c.1681G>A, p.Val561Ile (NM_001365116.2); short protein forms V561I, V595I.
Identifiers: ClinVar variation 2214880 (VCV002214880.4), dbSNP rs752701507, ClinGen allele CA2360455.
Genomic context (GRCh38, chr3:46,995,518, plus strand): 5'-GCACGTGCTCTGCGCTACTTTGACCTCACGCCCAGCATGGCGGGCATCATGGTACCCCCT[G>A]TACAGCGATGGCCAGGGCCTGGCTTCACCTTTCATGCCTGGCTCTGTCTGCACCCTATGG-3'
Protein context (NP_055990.1, residues 585-605): PSMAGIMVPP[Val595Ile]QRWPGPGFTF

ClinVar aggregate classification (germline): Uncertain significance. Review status: criteria provided, multiple submitters, no conflicts (2 of 4 stars). 2 submissions from 2 submitters: Uncertain significance (2). Last evaluated 2025-05-22.

Conditions:
Inborn genetic diseases. Identifiers: MedGen C0950123, MeSH D030342.

Allele frequency attached by ClinVar (database versions not stated): gnomAD exomes 0.00001; TOPMed 0.00017; ExAC 0.00003; gnomAD 0.00013.
gnomAD v4.1: 38 of 1,612,720 alleles (0.0024%); highest among the groups gnomAD compares: African/African-American, 0.051%; no homozygotes.

Submissions (2):

Mayo Clinic Laboratories, Mayo Clinic
Classification: Uncertain significance. Last evaluated: 2025-05-22. Review status: criteria provided, single submitter. Criteria: ACMG Guidelines, 2015. Collection method: clinical testing. Allele origin: germline. Observed: 1 variant allele.
Comment: BP4_moderate, PM2_supporting

Ambry Genetics
Classification: Uncertain significance for Inborn genetic diseases. Last evaluated: 2024-10-20. Review status: criteria provided, single submitter. Criteria: Ambry Variant Classification Scheme 2023. Collection method: clinical testing. Allele origin: germline.